The following is an entry in ClinVar:

NM_001017420.3(ESCO2):c.1369G>T (p.Glu457Ter)

Gene: ESCO2 (establishment of sister chromatid cohesion N-acetyltransferase 2; plus strand). Cytogenetic location: 8p21.1.
Variant type: single nucleotide variant.
Coding change: c.1369G>T on transcript NM_001017420.3 (MANE Select); coding-DNA position 1369, G replaced by T.
Protein change: p.Glu457Ter; replaces glutamic acid 457 with a stop codon.
Molecular consequence: nonsense.
Genome position (GRCh38, 1-based): chr8:27,792,683, G>T. VCF-style: chr8-27792683-G-T. GRCh37 (hg19) VCF-style: chr8-27650200-G-T.
Other names: short protein forms E457*.
Identifiers: ClinVar variation 2021654 (VCV002021654.4), dbSNP rs2486665521, ClinGen allele CA370825262.

ClinVar aggregate classification (germline): Pathogenic (1 of 4 stars; one submission).

Submission:

Labcorp Genetics (formerly Invitae), Labcorp
Classification: Pathogenic. Last evaluated: 2022-08-05. Review status: criteria provided, single submitter. Criteria: Invitae Variant Classification Sherloc (09022015). Collection method: clinical testing. Allele origin: germline.
Comment: For these reasons, this variant has been classified as Pathogenic. Algorithms developed to predict the effect of sequence changes on RNA splicing suggest that this variant may disrupt the consensus splice site. This variant has not been reported in the literature in individuals affected with ESCO2-related conditions. This variant is not present in population databases (gnomAD no frequency). This sequence change creates a premature translational stop signal (p.Glu457*) in the ESCO2 gene. It is expected to result in an absent or disrupted protein product. Loss-of-function variants in ESCO2 are known to be pathogenic (PMID: 15821733, 16380922).

Literature cited by the submitters: PubMed 15821733; PubMed 16380922.